The following is an entry in ClinVar:

ClinVar aggregate classification (germline): Uncertain significance (1 of 4 stars; one submission).

Conditions:
ALG1-congenital disorder of glycosylation. Also called: CONGENITAL DISORDER OF GLYCOSYLATION, TYPE Ik; ALG1-CDG; CDG Ik. Identifiers: Orphanet 79327, MedGen C2931005, MONDO:0012052, OMIM 608540.

Allele frequency attached by ClinVar (database versions not stated): TOPMed below 0.00001; gnomAD exomes 0.00001; ExAC 0.00002; gnomAD 0.00002.
gnomAD v4.1: 12 of 1,595,434 alleles (0.00075%); highest among the groups gnomAD compares: Non-Finnish European, 0.00085%; no homozygotes.

Submission:

Labcorp Genetics (formerly Invitae), Labcorp
Classification: Uncertain significance for ALG1-congenital disorder of glycosylation. Last evaluated: 2025-12-15. Review status: criteria provided, single submitter. Criteria: Invitae Variant Classification Sherloc (09022015). Collection method: clinical testing. Allele origin: germline.
Comment: This sequence change replaces aspartic acid, which is acidic and polar, with valine, which is neutral and non-polar, at codon 352 of the ALG1 protein (p.Asp352Val). The frequency data for this variant in the population databases is considered unreliable, as metrics indicate poor data quality at this position in the gnomAD database. This variant has not been reported in the literature in individuals affected with ALG1-related conditions. ClinVar contains an entry for this variant (Variation ID: 1401971). Invitae Evidence Modeling of protein sequence and biophysical properties (such as structural, functional, and spatial information, amino acid conservation, physicochemical variation, residue mobility, and thermodynamic stability) indicates that this missense variant is expected to disrupt ALG1 protein function with a positive predictive value of 80%. In summary, the available evidence is currently insufficient to determine the role of this variant in disease. Therefore, it has been classified as a Variant of Uncertain Significance.

NM_019109.5(ALG1):c.1055A>T (p.Asp352Val)

Gene: ALG1 (ALG1 chitobiosyldiphosphodolichol beta-mannosyltransferase; plus strand). Cytogenetic location: 16p13.3.
Variant type: single nucleotide variant.
Coding change: c.1055A>T on transcript NM_019109.5 (MANE Select); coding-DNA position 1055, A replaced by T.
Protein change: p.Asp352Val; replaces aspartic acid 352 with valine.
Molecular consequence: missense variant.
Genome position (GRCh38, 1-based): chr16:5,081,039, A>T. VCF-style: chr16-5081039-A-T. GRCh37 (hg19) VCF-style: chr16-5131040-A-T.
Other names: c.722A>T, p.Asp241Val (NM_001330504.2); short protein forms D241V, D352V.
Identifiers: ClinVar variation 1401971 (VCV001401971.5), dbSNP rs765238558, ClinGen allele CA7890178.
Genomic context (GRCh38, chr16:5,081,039, plus strand): 5'-TCATCCACCAGAAGCACTTCCAGCACATCCAGGTCTGCACCCCCTGGCTGGAGGCCGAGG[A>T]CTACCCCCTGCTTCTAGGTGAGAGGCCAGCAGGAGGCTCAGGGAGGAGGCGGGGGGAACA-3'
Protein context (NP_061982.3, residues 342-362): QVCTPWLEAE[Asp352Val]YPLLLGSADL